The following is an entry in ClinVar:

ClinVar aggregate classification (germline): Likely benign. Review status: criteria provided, single submitter (1 of 4 stars). 2 submissions from 2 submitters: Likely benign (1). 1 of the submissions does not count toward it. Last evaluated 2025-11-23.

Conditions:
IFT140-related disorder. Also called: IFT140-related condition.
Saldino-Mainzer syndrome (SRTD9). Also called: CONORENAL SYNDROME; Renal dysplasia, retinal pigmentary dystrophy, cerebellar ataxia and skeletal dysplasia; SHORT-RIB THORACIC DYSPLASIA 9 WITHOUT POLYDACTYLY; short-rib thoracic dysplasia 9 with or without polydactyly. Identifiers: Orphanet 140969, MedGen C1849437, MONDO:0009964, OMIM 266920.

Allele frequency attached by ClinVar (database versions not stated): ExAC 0.00001; gnomAD exomes 0.00001; gnomAD 0.00002; TOPMed 0.00002; ESP Exome Variant Server 0.00008.
gnomAD v4.1: 11 of 1,613,188 alleles (0.00068%); highest among the groups gnomAD compares: East Asian, 0.0045%; no homozygotes.

Submissions (2):

Labcorp Genetics (formerly Invitae), Labcorp
Classification: Likely benign for Saldino-Mainzer syndrome. Last evaluated: 2025-11-23. Review status: criteria provided, single submitter. Criteria: Invitae Variant Classification Sherloc (09022015). Collection method: clinical testing. Allele origin: germline.

PreventionGenetics, part of Exact Sciences
Classification: Likely benign for IFT140-related condition. Last evaluated: 2019-05-28. Review status: no assertion criteria provided. Collection method: clinical testing. Allele origin: germline. Not counted in ClinVar's aggregate classification.
Comment: This variant is classified as likely benign based on ACMG/AMP sequence variant interpretation guidelines (Richards et al. 2015 PMID: 25741868, with internal and published modifications).

NM_014714.4(IFT140):c.3192C>T (p.Pro1064=)

Gene: IFT140 (intraflagellar transport 140; minus strand). Cytogenetic location: 16p13.3.
Variant type: single nucleotide variant.
Coding change: c.3192C>T on transcript NM_014714.4 (MANE Select); coding-DNA position 3192, C replaced by T.
Protein change: p.Pro1064=; no amino-acid change (proline 1064 retained).
Molecular consequence: synonymous variant.
Genome position (GRCh38, 1-based): chr16:1,523,906, G>A on the plus strand (C>T on the coding strand, the complement: IFT140 is on the minus strand). VCF-style: chr16-1523906-G-A. GRCh37 (hg19) VCF-style: chr16-1573907-G-A.
Other names: c.3192C>T (NM_014714.3).
Identifiers: ClinVar variation 2075117 (VCV002075117.6), dbSNP rs376962964, ClinGen allele CA7813260.